The following is an entry in ClinVar:

NM_000540.3(RYR1):c.13534G>T (p.Glu4512Ter)

Gene: RYR1 (ryanodine receptor 1; plus strand). Cytogenetic location: 19q13.2.
Variant type: single nucleotide variant.
Coding change: c.13534G>T on transcript NM_000540.3 (MANE Select); coding-DNA position 13534, G replaced by T.
Protein change: p.Glu4512Ter; replaces glutamic acid 4512 with a stop codon.
Molecular consequence: nonsense.
Genome position (GRCh38, 1-based): chr19:38,567,792, G>T. VCF-style: chr19-38567792-G-T. GRCh37 (hg19) VCF-style: chr19-39058432-G-T.
Other names: c.13519G>T, p.Glu4507Ter (NM_001042723.2); short protein forms E4512*, E4507*.
Identifiers: ClinVar variation 569883 (VCV000569883.6), dbSNP rs1568587495, ClinGen allele CA405677534.

ClinVar aggregate classification (germline): Pathogenic (1 of 4 stars; one submission).

Conditions:
RYR1-related disorder. Also called: RYR1-related disorders; RYR1-related condition. Identifiers: MedGen CN239331.

Submission:

Labcorp Genetics (formerly Invitae), Labcorp
Classification: Pathogenic for RYR1-related disorder. Last evaluated: 2022-08-23. Review status: criteria provided, single submitter. Criteria: Invitae Variant Classification Sherloc (09022015). Collection method: clinical testing. Allele origin: germline.
Comment: This sequence change creates a premature translational stop signal (p.Glu4512*) in the RYR1 gene. It is expected to result in an absent or disrupted protein product. Loss-of-function variants in RYR1 are known to be pathogenic (PMID: 20583297, 20839240, 23919265, 28818389). This variant is not present in population databases (gnomAD no frequency). This variant has not been reported in the literature in individuals affected with RYR1-related conditions. ClinVar contains an entry for this variant (Variation ID: 569883). Algorithms developed to predict the effect of sequence changes on RNA splicing suggest that this variant may create or strengthen a splice site. For these reasons, this variant has been classified as Pathogenic.

Literature cited by the submitters: PubMed 20583297; PubMed 20839240; PubMed 23919265; PubMed 28818389.